The following is an entry in ClinVar:

ClinVar aggregate classification (germline): Benign/Likely benign. Review status: criteria provided, multiple submitters, no conflicts (2 of 4 stars). 3 submissions from 3 submitters: Benign (1); Likely benign (2). Last evaluated 2024-04-16.

Conditions:
Familial cancer of breast. Also called: BREAST CANCER, FAMILIAL; Hereditary breast cancer; hereditary breast carcinoma. Identifiers: Orphanet 227535, MedGen C0346153, MONDO:0016419, OMIM 114480. Disease mechanism: loss of function.
Hereditary cancer-predisposing syndrome. Also called: Neoplastic Syndromes, Hereditary; Tumor predisposition; Hereditary neoplastic syndrome; Hereditary Cancer Syndrome. Identifiers: Orphanet 140162, MedGen C0027672, MeSH D009386, MONDO:0015356.
Ataxia-telangiectasia syndrome (AT). Also called: Ataxia telangiectasia (A-T); LOUIS-BAR SYNDROME; Cerebello-oculocutaneous telangiectasia; Immunodeficiency with ataxia telangiectasia; Ataxia-telangiectasia, complementation group D; AT, COMPLEMENTATION GROUP C. Identifiers: Orphanet 100, MedGen C0004135, MONDO:0008840, OMIM 208900.

Submissions (3):

Myriad Genetics, Inc.
Classification: Benign for Familial cancer of breast. Last evaluated: 2024-04-16. Review status: criteria provided, single submitter. Criteria: Myriad Autosomal Dominant, Autosomal Recessive and X-Linked Classification Criteria (2023). Collection method: clinical testing. Allele origin: unknown.
Comment: This variant is considered benign. This variant is a silent/synonymous amino acid change and it is not expected to impact splicing.

Labcorp Genetics (formerly Invitae), Labcorp
Classification: Likely benign for Ataxia-telangiectasia syndrome. Last evaluated: 2023-12-26. Review status: criteria provided, single submitter. Criteria: Invitae Variant Classification Sherloc (09022015). Collection method: clinical testing. Allele origin: germline.

Ambry Genetics
Classification: Likely benign for Hereditary cancer-predisposing syndrome. Last evaluated: 2021-08-01. Review status: criteria provided, single submitter. Criteria: Ambry Variant Classification Scheme 2023. Collection method: clinical testing. Allele origin: germline.

NM_000051.4(ATM):c.60T>C (p.Ala20=)

Gene: ATM (ATM serine/threonine kinase; plus strand). Cytogenetic location: 11q22.3.
Variant type: single nucleotide variant.
Coding change: c.60T>C on transcript NM_000051.4 (MANE Select); coding-DNA position 60, T replaced by C.
Protein change: p.Ala20=; no amino-acid change (alanine 20 retained).
Molecular consequence: synonymous variant.
Genome position (GRCh38, 1-based): chr11:108,227,684, T>C. VCF-style: chr11-108227684-T-C. GRCh37 (hg19) VCF-style: chr11-108098411-T-C.
Other names: c.60T>C, p.Ala20= (NM_001351834.2, NM_001351835.2, NM_001351836.2).
Identifiers: ClinVar variation 1751625 (VCV001751625.8), dbSNP rs2078809832, ClinGen allele CA476667978.